The following is an entry in ClinVar:

ClinVar aggregate classification (germline): Uncertain significance (1 of 4 stars; one submission).

Conditions:
Myofibrillar myopathy 5. Also called: Filaminopathy (type); FILAMINOPATHY, AUTOSOMAL DOMINANT. Identifiers: Orphanet 171445, MedGen C1836050, MONDO:0012289, OMIM 609524.
Distal myopathy with posterior leg and anterior hand involvement. Also called: WILLIAMS DISTAL MYOPATHY. Identifiers: Orphanet 63273, MedGen C3279722, MONDO:0013550, OMIM 614065.
Hypertrophic cardiomyopathy 26. Also called: Cardiomyopathy, familial hypertrophic, 26. Identifiers: Orphanet 75249, MedGen C4310749, MONDO:0014883, OMIM 617047.

Submission:

Labcorp Genetics (formerly Invitae), Labcorp
Classification: Uncertain significance for Distal myopathy with posterior leg and anterior hand involvement; Myofibrillar myopathy 5; Hypertrophic cardiomyopathy 26. Last evaluated: 2023-01-01. Review status: criteria provided, single submitter. Criteria: Invitae Variant Classification Sherloc (09022015). Collection method: clinical testing. Allele origin: germline.
Comment: ClinVar contains an entry for this variant (Variation ID: 1717138). This variant has not been reported in the literature in individuals affected with FLNC-related conditions. In summary, the available evidence is currently insufficient to determine the role of this variant in disease. Therefore, it has been classified as a Variant of Uncertain Significance. Advanced modeling of protein sequence and biophysical properties (such as structural, functional, and spatial information, amino acid conservation, physicochemical variation, residue mobility, and thermodynamic stability) has been performed at Invitae for this missense variant, however the output from this modeling did not meet the statistical confidence thresholds required to predict the impact of this variant on FLNC protein function. This variant is not present in population databases (gnomAD no frequency). This sequence change replaces isoleucine, which is neutral and non-polar, with serine, which is neutral and polar, at codon 37 of the FLNC protein (p.Ile37Ser).

NM_001458.5(FLNC):c.110T>G (p.Ile37Ser)

Gene: FLNC (filamin C; plus strand). Cytogenetic location: 7q32.1.
Variant type: single nucleotide variant.
Coding change: c.110T>G on transcript NM_001458.5 (MANE Select); coding-DNA position 110, T replaced by G.
Protein change: p.Ile37Ser; replaces isoleucine 37 with serine.
Molecular consequence: missense variant.
Genome position (GRCh38, 1-based): chr7:128,830,747, T>G. VCF-style: chr7-128830747-T-G. GRCh37 (hg19) VCF-style: chr7-128470801-T-G.
Other names: c.110T>G, p.Ile37Ser (NM_001127487.2); short protein forms I37S.
Identifiers: ClinVar variation 1717138 (VCV001717138.6), dbSNP rs2536605080, ClinGen allele CA369215786.